The following is an entry in ClinVar:

ClinVar aggregate classification (germline): Pathogenic (1 of 4 stars; one submission).

Conditions:
Retinitis pigmentosa 25 (RP25). Identifiers: Orphanet 791, MedGen C1864446, MONDO:0011272, OMIM 602772.

Submission:

Myriad Genetics, Inc.
Classification: Pathogenic for Retinitis pigmentosa 25. Last evaluated: 2024-05-14. Review status: criteria provided, single submitter. Criteria: Myriad Autosomal Dominant, Autosomal Recessive and X-Linked Classification Criteria (2023). Collection method: clinical testing. Allele origin: unknown.
Comment: NM_001142800.1(EYS):c.4936G>T(E1646*) is expected to be pathogenic in the context of retinitis pigmentosa, EYS-related. This variant is predicted to lead to an abnormal or absent protein product due to the creation of a premature termination codon in EYS, a gene where loss-of-function variants are known to be pathogenic. Please note: this variant was assessed in the context of healthy population screening.

NM_001142800.2(EYS):c.4936G>T (p.Glu1646Ter)

Gene: EYS (EGF-like photoreceptor maintenance factor; minus strand). Cytogenetic location: 6q12.
Variant type: single nucleotide variant.
Coding change: c.4936G>T on transcript NM_001142800.2 (MANE Select); coding-DNA position 4936, G replaced by T.
Protein change: p.Glu1646Ter; replaces glutamic acid 1646 with a stop codon.
Molecular consequence: nonsense.
Genome position (GRCh38, 1-based): chr6:64,590,931, C>A on the plus strand (G>T on the coding strand, the complement: EYS is on the minus strand). VCF-style: chr6-64590931-C-A. GRCh37 (hg19) VCF-style: chr6-65300824-C-A.
Other names: c.4936G>T, p.Glu1646Ter (NM_001292009.2); short protein forms E1646*.
Identifiers: ClinVar variation 5010572 (VCV005010572.1).